The following is an entry in ClinVar:

NM_000016.6(ACADM):c.1055A>G (p.Tyr352Cys)

Gene: ACADM (acyl-CoA dehydrogenase medium chain; plus strand). Cytogenetic location: 1p31.1.
Variant type: single nucleotide variant.
Coding change: c.1055A>G on transcript NM_000016.6 (MANE Select); coding-DNA position 1055, A replaced by G.
Protein change: p.Tyr352Cys; replaces tyrosine 352 with cysteine.
Molecular consequence: missense variant.
Genome position (GRCh38, 1-based): chr1:75,761,231, A>G. VCF-style: chr1-75761231-A-G. GRCh37 (hg19) VCF-style: chr1-76226916-A-G.
Other names: c.1055A>G (NM_000016.5); c.1067A>G, p.Tyr356Cys (NM_001127328.3); c.947A>G, p.Tyr316Cys (NM_001286042.2); c.1154A>G, p.Tyr385Cys (NM_001286043.2); c.488A>G, p.Tyr163Cys (NM_001286044.2); short protein forms Y352C, Y163C, Y385C, Y316C, Y356C.
Identifiers: ClinVar variation 438861 (VCV000438861.16), dbSNP rs1227800781, ClinGen allele CA340818073.
Genomic context (GRCh38, chr1:75,761,231, plus strand): 5'-TAGCTAGAATGAGTTACCAGAGAGCAGCTTGGGAGGTTGATTCTGGTCGTCGAAATACCT[A>G]TTATGCTTCTATTGCAAAGGCATTTGCTGGAGATATTGCAAATCAGTTAGCTACTGATGC-3'
Protein context (NP_000007.1, residues 342-362): WEVDSGRRNT[Tyr352Cys]YASIAKAFAG

ClinVar aggregate classification (germline): Pathogenic/Likely pathogenic. Review status: criteria provided, multiple submitters, no conflicts (2 of 4 stars). 6 submissions from 6 submitters: Pathogenic (1); Likely pathogenic (5). Last evaluated 2026-08-27.

Conditions:
MCADD - Medium-chain acyl-CoA dehydrogenase deficiency – full ACADM sequencing newborn screening follow up.
Medium-chain acyl-coenzyme A dehydrogenase deficiency (ACADMD). Also called: Medium chain acyl-CoA dehydrogenase deficiency; ACADM DEFICIENCY; MCADH DEFICIENCY; MCADD; MCAD Deficiency; CARNITINE DEFICIENCY SECONDARY TO MEDIUM-CHAIN ACYL-CoA DEHYDROGENASE DEFICIENCY. Identifiers: Orphanet 42, MedGen C0220710, MONDO:0008721, OMIM 201450.

Allele frequency attached by ClinVar (database versions not stated): gnomAD exomes below 0.00001; gnomAD 0.00001.
gnomAD v4.1: 4 of 1,614,046 alleles (0.00025%); highest among the groups gnomAD compares: African/African-American, 0.0013%; no homozygotes.

Submissions (6):

Genetics Laboratory, Great Ormond Street Hospital NHS Foundation Trust, North Thames Genomic Laboratory Hub
Classification: Likely pathogenic for MCADD - Medium-chain acyl-CoA dehydrogenase deficiency – full ACADM sequencing newborn screening follow up. Last evaluated: 2026-08-27. Review status: criteria provided, single submitter. Criteria: ACGS Best Practice Guidelines for Variant Classification in Rare Disease 2024 v1.2. Collection method: clinical testing. Allele origin: germline. Affected: yes.
Comment: PM2_moderate, PP3_supporting, PS3_supporting, PM3_moderate, PP4_moderate

Natera, Inc.
Classification: Likely pathogenic for Medium Chain Acyl-CoA Dehydrogenase Deficiency. Last evaluated: 2025-11-10. Review status: criteria provided, single submitter. Criteria: Natera Variant Classification Schema (03/2026). Collection method: clinical testing. Allele origin: germline.
Comment: The c.1055A>G variant in ACADM is a missense variant predicted to cause substitution of tyrosine to cysteine at amino acid 352. This variant is rare in the general population with a frequency below the threshold expected for the associated phenotype(s). This variant has been observed in one or more individuals affected with the associated recessive disease, as either homozygous or compound heterozygous with a second variant (PMID: 9158144). This variant has been identified in one or more affected individuals with a phenotype highly consistent with the associated gene (PMID: 9158144). Functional studies show that this variant may disrupt protein function (PMID: 9158144). Computational prediction algorithms indicate this variant is likely to affect gene or protein function. Given the available evidence, this variant is classified as Likely Pathogenic.

Baylor Genetics
Classification: Likely pathogenic for Medium-chain acyl-coenzyme A dehydrogenase deficiency. Last evaluated: 2024-02-22. Review status: criteria provided, single submitter. Criteria: ACMG Guidelines, 2015. Collection method: clinical testing. Allele origin: unknown.

Labcorp Genetics (formerly Invitae), Labcorp
Classification: Likely pathogenic for Medium-chain acyl-coenzyme A dehydrogenase deficiency. Last evaluated: 2020-01-02. Review status: criteria provided, single submitter. Criteria: Invitae Variant Classification Sherloc (09022015). Collection method: clinical testing. Allele origin: germline.
Comment: This sequence change replaces tyrosine with cysteine at codon 352 of the ACADM protein (p.Tyr352Cys). The tyrosine residue is highly conserved and there is a large physicochemical difference between tyrosine and cysteine. This variant is not present in population databases (ExAC no frequency). This variant has been observed in individual(s) with medium-chain acyl-coenzyme A dehydrogenase deficiency (PMID: 8215568, 9158144). In at least one individual the data is consistent with the variant being in trans (on the opposite chromosome) from a pathogenic variant. ClinVar contains an entry for this variant (Variation ID: 438861). This variant has been reported to affect ACADM protein function (PMID: 9158144). In summary, the currently available evidence indicates that the variant is pathogenic, but additional data are needed to prove that conclusively. Therefore, this variant has been classified as Likely Pathogenic.

Quest Diagnostics Nichols Institute San Juan Capistrano
Classification: Pathogenic. Last evaluated: 2017-03-28. Review status: criteria provided, single submitter. Criteria: Quest Diagnostics criteria. Collection method: clinical testing. Allele origin: germline.

Juno Genomics, Hangzhou Juno Genomics, Inc
Classification: Likely pathogenic for Medium-chain acyl-coenzyme A dehydrogenase deficiency. Review status: criteria provided, single submitter. Criteria: ACMG Guidelines, 2015. Collection method: clinical testing. Allele origin: germline. Affected: yes.
Comment: Absent from controls (or at extremely low frequency if recessive) in Genome Aggregation Database, Exome Sequencing Project, 1000 Genomes Project, or Exome Aggregation Consortium.;For recessive disorders, detected in trans with a pathogenic variant.;Well-established in vitro or in vivo functional studies supportive of a damaging effect on the gene or gene product.;Multiple lines of computational evidence support a deleterious effect on the gene or gene product (conservation, evolutionary, splicing impact, etc).;Patient's phenotype or family history is highly specific for a disease with a single genetic etiology.

Literature cited by the submitters: PubMed 9158144 (cited by 3 submitters); PubMed 8215568 (cited by Labcorp Genetics (formerly Invitae), Labcorp).